The following is an entry in ClinVar:

NM_002769.5(PRSS1):c.89G>A (p.Cys30Tyr)

Genes: PRSS1 (serine protease 1; plus strand), TRB (T cell receptor beta locus; plus strand). Cytogenetic location: 7q34.
Variant type: single nucleotide variant.
Coding change: c.89G>A on transcript NM_002769.5 (MANE Select); coding-DNA position 89, G replaced by A.
Protein change: p.Cys30Tyr; replaces cysteine 30 with tyrosine.
Molecular consequence: missense variant. On other transcripts: non-coding transcript variant (2).
Genome position (GRCh38, 1-based): chr7:142,750,603, G>A. VCF-style: chr7-142750603-G-A. GRCh37 (hg19) VCF-style: chr7-142458454-G-A.
Other names: short protein forms C30Y.
Identifiers: ClinVar variation 3426338 (VCV003426338.1).
Genomic context (GRCh38, chr7:142,750,603, plus strand): 5'-TCTCCACTCCAGTTGCTGCCCCCTTTGATGATGATGACAAGATCGTTGGGGGCTACAACT[G>A]TGAGGAGAATTCTGTCCCCTACCAGGTGTCCCTGAATTCTGGCTACCACTTCTGTGGTGG-3'
Protein context (NP_002760.1, residues 20-40): DDDKIVGGYN[Cys30Tyr]EENSVPYQVS

ClinVar aggregate classification (germline): Uncertain significance (1 of 4 stars; one submission).

Conditions:
Hereditary pancreatitis (PCTT). Also called: Hereditary chronic pancreatitis; PRSS1-Related Hereditary Pancreatitis. Identifiers: Orphanet 676, MedGen C0238339, MONDO:0008185, OMIM 167800.

gnomAD v4.1: 2 of 1,614,054 alleles (0.00012%); highest among the groups gnomAD compares: African/African-American, 0.0013%; no homozygotes.

Submission:

Ambry Genetics
Classification: Uncertain significance for Hereditary pancreatitis. Last evaluated: 2024-10-28. Review status: criteria provided, single submitter. Criteria: Ambry Variant Classification Scheme 2023. Collection method: clinical testing. Allele origin: germline.
Comment: The p.C30Y variant (also known as c.89G>A), located in coding exon 2 of the PRSS1 gene, results from a G to A substitution at nucleotide position 89. The cysteine at codon 30 is replaced by tyrosine, an amino acid with highly dissimilar properties. This amino acid position is conserved. In addition, this alteration is predicted to be deleterious by in silico analysis. Based on the available evidence, the clinical significance of this variant remains unclear.